The following is an entry in ClinVar:

ClinVar aggregate classification (germline): Pathogenic. Review status: criteria provided, multiple submitters, no conflicts (2 of 4 stars). 2 submissions from 2 submitters: Pathogenic (2). Last evaluated 2022-10-25.

Conditions:
Hereditary cancer-predisposing syndrome. Also called: Hereditary Cancer Syndrome; Neoplastic Syndromes, Hereditary; Hereditary neoplastic syndrome; Tumor predisposition. Identifiers: Orphanet 140162, MedGen C0027672, MeSH D009386, MONDO:0015356.
Familial adenomatous polyposis 1 (FAP1). Also called: FAMILIAL ADENOMATOUS POLYPOSIS 1, ATTENUATED; POLYPOSIS, ADENOMATOUS INTESTINAL. Identifiers: MedGen C2713442, MONDO:0021056, OMIM 175100. Disease mechanism: loss of function.

Submissions (2):

Labcorp Genetics (formerly Invitae), Labcorp
Classification: Pathogenic for Familial adenomatous polyposis 1. Last evaluated: 2022-10-25. Review status: criteria provided, single submitter. Criteria: Invitae Variant Classification Sherloc (09022015). Collection method: clinical testing. Allele origin: germline.
Comment: For these reasons, this variant has been classified as Pathogenic. This variant disrupts a region of the APC protein in which other variant(s) (p.Tyr2645Lysfs*14) have been determined to be pathogenic (PMID: 1316610, 8381579, 9824584, 27081525). This suggests that this is a clinically significant region of the protein, and that variants that disrupt it are likely to be disease-causing. ClinVar contains an entry for this variant (Variation ID: 428136). This variant has not been reported in the literature in individuals affected with APC-related conditions. This variant is not present in population databases (gnomAD no frequency). This sequence change creates a premature translational stop signal (p.Leu1488Tyrfs*19) in the APC gene. While this is not anticipated to result in nonsense mediated decay, it is expected to disrupt the last 1356 amino acid(s) of the APC protein.

Ambry Genetics
Classification: Pathogenic for Hereditary cancer-predisposing syndrome. Last evaluated: 2015-07-07. Review status: criteria provided, single submitter. Criteria: Ambry Variant Classification Scheme 2023. Collection method: clinical testing. Allele origin: germline.
Comment: The c.4463delT pathogenic mutation, located in coding exon 15 of the APC gene, results from a deletion of one nucleotide at position 4463, causing a translational frameshift with a predicted alternate stop codon. Since frameshifts are typically deleterious in nature, this alteration is interpreted as a disease-causing mutation (ACMG Recommendations for Standards for Interpretation and Reporting of Sequence Variations. Revision 2007. Genet Med. 2008;10:294).

Literature cited by the submitters: PubMed 1316610 (cited by Labcorp Genetics (formerly Invitae), Labcorp); PubMed 8381579 (cited by Labcorp Genetics (formerly Invitae), Labcorp); PubMed 9824584 (cited by Labcorp Genetics (formerly Invitae), Labcorp); PubMed 27081525 (cited by Labcorp Genetics (formerly Invitae), Labcorp).

NM_000038.6(APC):c.4463del (p.Leu1488fs)

Gene: APC (APC regulator of Wnt signaling pathway; plus strand). Cytogenetic location: 5q22.2.
Variant type: Deletion.
Coding change: c.4463del on transcript NM_000038.6 (MANE Select); coding-DNA position 4463, one base deleted (T; older notation c.4463delT).
Protein change: p.Leu1488fs; shifts the reading frame from leucine 1488.
Molecular consequence: frameshift variant.
Genome position (GRCh38, 1-based): chr5:112,840,057, T deleted; the last of 3 consecutive T bases (chr5:112,840,055-112,840,057); deleting any one gives the same sequence. VCF-style (leftmost placement, unchanged base first): chr5-112840054-CT-C. GRCh37 (hg19) VCF-style: chr5-112175751-CT-C.
Other names: c.4463del, p.Leu1488fs (NM_001127510.3, NM_001354895.2); c.4409del, p.Leu1470fs (NM_001127511.3); c.4517del, p.Leu1506fs (NM_001354896.2); c.4493del, p.Leu1498fs (NM_001354897.2); c.4388del, p.Leu1463fs (NM_001354898.2); c.4379del, p.Leu1460fs (NM_001354899.2); c.4340del, p.Leu1447fs (NM_001354900.2); c.4286del, p.Leu1429fs (NM_001354901.2); and 5 more; short protein forms L1447fs, L1429fs, L1460fs, L1470fs, L1488fs, L1498fs, L1205fs, L1362fs.
Identifiers: ClinVar variation 428136 (VCV000428136.10), dbSNP rs1114167577, ClinGen allele CA446206502.